The following is an entry in ClinVar:

ClinVar aggregate classification (germline): Pathogenic/Likely pathogenic. Review status: criteria provided, multiple submitters, no conflicts (2 of 4 stars). 5 submissions from 5 submitters: Pathogenic (4); Likely pathogenic (1). Last evaluated 2025-05-27.

Conditions:
PLA2G6-associated neurodegeneration (PLAN). Also called: phospholipase A2-associated neurodegeneration. Identifiers: Orphanet 329303, MedGen CN204472, MONDO:0017998.
Neurodegeneration with brain iron accumulation 2B. Also called: aNAD; atypical Neuroaxonal Dystrophy (aNAD); NEUROAXONAL DYSTROPHY, ATYPICAL; NEURODEGENERATION WITH BRAIN IRON ACCUMULATION, PLA2G6-RELATED. Identifiers: Orphanet 35069, MedGen C1857747, MONDO:0012444, OMIM 610217.
Infantile neuroaxonal dystrophy (NBIA2A). Also called: Infantile neuroaxonal dystrophy 1; NEURODEGENERATION WITH BRAIN IRON ACCUMULATION 2A; SEITELBERGER DISEASE. Identifiers: Orphanet 35069, MedGen C0270724, MONDO:0024457, OMIM 256600.
Iron accumulation in brain. Identifiers: MedGen C4021076, HP:0012675.

Allele frequency attached by ClinVar (database versions not stated): TOPMed 0.00001; gnomAD exomes below 0.00001 and 0.00001.
gnomAD v4.1: 2 of 1,559,752 alleles (0.00013%); highest among the groups gnomAD compares: Admixed American, 0.0038%; no homozygotes.

Submissions (5):

Labcorp Genetics (formerly Invitae), Labcorp
Classification: Pathogenic for Infantile neuroaxonal dystrophy. Last evaluated: 2025-05-27. Review status: criteria provided, single submitter. Criteria: Invitae Variant Classification Sherloc (09022015). Collection method: clinical testing. Allele origin: germline.
Comment: This sequence change replaces leucine, which is neutral and non-polar, with glutamine, which is neutral and polar, at codon 481 of the PLA2G6 protein (p.Leu481Gln). The frequency data for this variant in the population databases is considered unreliable, as metrics indicate poor data quality at this position in the gnomAD database. This missense change has been observed in individual(s) with PLA2G6-related conditions (PMID: 16783378, 24870368, 25164370). In at least one individual the data is consistent with being in trans (on the opposite chromosome) from a pathogenic variant. It has also been observed to segregate with disease in related individuals. ClinVar contains an entry for this variant (Variation ID: 159731). Invitae Evidence Modeling of protein sequence and biophysical properties (such as structural, functional, and spatial information, amino acid conservation, physicochemical variation, residue mobility, and thermodynamic stability) indicates that this missense variant is expected to disrupt PLA2G6 protein function with a positive predictive value of 80%. For these reasons, this variant has been classified as Pathogenic.

3billion
Classification: Pathogenic for Infantile neuroaxonal dystrophy. Last evaluated: 2024-08-07. Review status: criteria provided, single submitter. Criteria: ACMG Guidelines, 2015. Collection method: clinical testing. Allele origin: germline. Affected: yes.
Comment: The variant is observed at an extremely low frequency in the gnomAD v4.0.0 dataset (total allele frequency: <0.001%). Predicted Consequence/Location: Missense variant In silico tool predictions suggest damaging effect of the variant on gene or gene product [REVEL: 0.96 (>=0.6, sensitivity 0.68 and specificity 0.92); 3Cnet: 0.98 (>=0.6, sensitivity 0.72 and precision 0.9)]. The same nucleotide change resulting in the same amino acid change has been previously reported as pathogenic/likely pathogenic with strong evidence (ClinVar ID: VCV000159731 /PMID: 16783378 /3billion dataset). The variant has been reported to be in trans with a pathogenic variant as either compound heterozygous or homozygous in at least one similarly affected unrelated individual (PMID: 16783378, 24870368). The variant has been reported to co-segregate with the disease in at least one similarly affected relative/individual in the same family or similarly affected unrelated family (PMID: 25164370). Therefore, this variant is classified as Pathogenic according to the recommendation of ACMG/AMP guideline.

Broad Center for Mendelian Genomics, Broad Institute of MIT and Harvard
Classification: Likely pathogenic for PLA2G6-associated neurodegeneration. Last evaluated: 2023-01-24. Review status: criteria provided, single submitter. Criteria: ACMG Guidelines, 2015. Collection method: curation. Allele origin: germline. Inheritance: Autosomal recessive inheritance.
Comment: The p.Leu481Gln variant in PLA2G6 has been reported in 8 individuals with PLA2G6-associated neurodegeneration (PMID: 18359254, Silva 2014, Pinto 2010, 16783378, Lissens 2008, 24870368, 25164370), and has been identified in 0.004% (1/25880) of Latino/Admixed American chromosomes by the Genome Aggregation Database (gnomAD; dbSNP ID: rs587784330). Although this variant has been seen in the general population in a heterozygous state, its frequency is low enough to be consistent with a recessive carrier frequency. This variant has also been reported in ClinVar (Variation ID#: 159731) and has been interpreted as pathogenic by Genetic Services Laboratory (University of Chicago) and Institute of Human Genetics (Klinikum rechts der Isar). Of the 8 affected individuals, 2 of those were homozygotes, and 2 were compound heterozygotes that carried reported pathogenic variants with unknown phase, which increases the likelihood that the p.Leu481Gln variant is pathogenic. (Variant ID: 6195; PMID: 18359254, 25164370). Computational prediction tools and conservation analyses suggest that this variant may impact the protein, though this information is not predictive enough to determine pathogenicity. In summary, although additional studies are required to fully establish its clinical significance, this variant is likely pathogenic for autosomal recessive PLA2G6-associated neurodegeneration. ACMG/AMP Criteria applied: PP3, PM2_supporting, PM3_strong (Richards 2015).

Institute of Human Genetics Munich, TUM University Hospital
Classification: Pathogenic for Neurodegeneration with brain iron accumulation 2B. Last evaluated: 2020-01-16. Review status: criteria provided, single submitter. Criteria: Classification criteria August 2017. Collection method: clinical testing. Allele origin: inherited. Inheritance: Autosomal recessive inheritance. Affected: yes. Observed: 1 homozygote.

Genetic Services Laboratory, University of Chicago
Classification: Pathogenic for iron accumulation in brain. Last evaluated: 2013-05-21. Review status: criteria provided, single submitter. Criteria: ACMG Guidelines, 2007. Collection method: clinical testing. Allele origin: germline. Inheritance: Autosomal recessive inheritance. Affected: yes.

Literature cited by the submitters: PubMed 16783378 (cited by Labcorp Genetics (formerly Invitae), Labcorp and 3billion); PubMed 24870368 (cited by Labcorp Genetics (formerly Invitae), Labcorp and 3billion); PubMed 25164370 (cited by Labcorp Genetics (formerly Invitae), Labcorp and 3billion).

NM_003560.4(PLA2G6):c.1442T>A (p.Leu481Gln)

Gene: PLA2G6 (phospholipase A2 group VI; minus strand). Cytogenetic location: 22q13.1.
Variant type: single nucleotide variant.
Coding change: c.1442T>A on transcript NM_003560.4 (MANE Select); coding-DNA position 1442, T replaced by A.
Protein change: p.Leu481Gln; replaces leucine 481 with glutamine.
Molecular consequence: missense variant.
Genome position (GRCh38, 1-based): chr22:38,123,244, A>T on the plus strand (T>A on the coding strand, the complement: PLA2G6 is on the minus strand). VCF-style: chr22-38123244-A-T. GRCh37 (hg19) VCF-style: chr22-38519251-A-T.
Other names: NM_003560.4(PLA2G6):c.1442T>A; p.Leu481Gln; c.1280T>A, p.Leu427Gln (NM_001004426.3, NM_001199562.3, NM_001349865.2 and 1 more transcripts); c.1442T>A, p.Leu481Gln (NM_001349864.2); c.908T>A, p.Leu303Gln (NM_001349867.2); c.764T>A, p.Leu255Gln (NM_001349868.2); c.746T>A, p.Leu249Gln (NM_001349869.2); short protein forms L481Q, L249Q, L427Q, L303Q, L255Q.
Identifiers: ClinVar variation 159731 (VCV000159731.16), dbSNP rs587784330, ClinGen allele CA173204.